The following is an entry in ClinVar:

NM_001374828.1(ARID1B):c.963C>T (p.Ala321=)

Gene: ARID1B (AT-rich interaction domain 1B; plus strand). Cytogenetic location: 6q25.3.
Variant type: single nucleotide variant.
Coding change: c.963C>T on transcript NM_001374828.1 (MANE Select); coding-DNA position 963, C replaced by T.
Protein change: p.Ala321=; no amino-acid change (alanine 321 retained).
Molecular consequence: synonymous variant.
Genome position (GRCh38, 1-based): chr6:156,778,643, C>T. VCF-style: chr6-156778643-C-T. GRCh37 (hg19) VCF-style: chr6-157099777-C-T.
Other names: c.963C>T, p.Ala321= (NM_001371656.1, NM_001374820.1, NM_017519.3); c.714C>T, p.Ala238= (NM_020732.3).
Identifiers: ClinVar variation 434352 (VCV000434352.47), dbSNP rs533517668, ClinGen allele CA4066693.

ClinVar aggregate classification (germline): Benign/Likely benign. Review status: criteria provided, multiple submitters, no conflicts (2 of 4 stars). 8 submissions from 8 submitters: Benign (3); Likely benign (4). 1 of the submissions does not count toward it. Last evaluated 2026-03-01.

Conditions:
Inborn genetic diseases. Identifiers: MedGen C0950123, MeSH D030342.
Coffin-Siris syndrome 1 (CSS1). Also called: Mental retardation, autosomal dominant 12; ARID1B-Related Coffin-Siris Syndrome. Identifiers: Orphanet 1465, MedGen C3281201, MONDO:0007617, OMIM 135900. Disease mechanism: gain of function.
ARID1B-Related Disorder. Identifiers: MedGen CN381337.

Allele frequency attached by ClinVar (database versions not stated): 1000 Genomes Project 30x 0.00016; 1000 Genomes Project 0.00020; ExAC 0.00038; gnomAD 0.00103 and 0.00107; gnomAD exomes 0.00112 and 0.00179; TOPMed 0.00125.
gnomAD v4.1: 2,487 of 1,473,968 alleles (0.17%); highest among the groups gnomAD compares: Non-Finnish European, 0.21%; 2 homozygotes.

Submissions (8):

CeGaT Center for Human Genetics Tuebingen
Classification: Likely benign. Last evaluated: 2026-03-01. Review status: criteria provided, single submitter. Criteria: CeGaT Center For Human Genetics Tuebingen Variant Classification Criteria Version 2. Collection method: clinical testing. Allele origin: germline. Affected: yes. Observed: 12 variant alleles.
Comment: ARID1B: BP4, BP7

Labcorp Genetics (formerly Invitae), Labcorp
Classification: Benign. Last evaluated: 2026-01-22. Review status: criteria provided, single submitter. Criteria: Invitae Variant Classification Sherloc (09022015). Collection method: clinical testing. Allele origin: germline.

Blueprint Genetics
Classification: Likely benign. Last evaluated: 2024-11-12. Review status: criteria provided, single submitter. Criteria: ACMG Guidelines, 2015. Collection method: clinical testing. Allele origin: germline.

Genome-Nilou Lab
Classification: Benign for Coffin-Siris syndrome 1. Last evaluated: 2021-07-15. Review status: criteria provided, single submitter. Criteria: ACMG Guidelines, 2015. Collection method: clinical testing. Allele origin: germline. Affected: no.

GeneDx
Classification: Benign. Last evaluated: 2019-04-22. Review status: criteria provided, single submitter. Criteria: GeneDx Variant Classification Process June 2021. Collection method: clinical testing. Allele origin: germline. Affected: yes.
Comment: This variant is associated with the following publications: (PMID: 22405089)

Genetic Services Laboratory, University of Chicago
Classification: Likely benign. Last evaluated: 2017-03-03. Review status: criteria provided, single submitter. Criteria: ACMG Guidelines, 2015. Collection method: clinical testing. Allele origin: germline. Affected: no.

Ambry Genetics
Classification: Likely benign for Inborn genetic diseases. Last evaluated: 2016-10-05. Review status: criteria provided, single submitter. Criteria: Ambry Variant Classification Scheme 2023. Collection method: clinical testing. Allele origin: germline.

PreventionGenetics, part of Exact Sciences
Classification: Likely benign for ARID1B-related condition. Last evaluated: 2019-03-25. Review status: no assertion criteria provided. Collection method: clinical testing. Allele origin: germline. Not counted in ClinVar's aggregate classification.
Comment: This variant is classified as likely benign based on ACMG/AMP sequence variant interpretation guidelines (Richards et al. 2015 PMID: 25741868, with internal and published modifications).